The following is an entry in ClinVar:

ClinVar aggregate classification (germline): Pathogenic/Likely pathogenic. Review status: criteria provided, multiple submitters, no conflicts (2 of 4 stars). 6 submissions from 5 submitters: Pathogenic (2); Likely pathogenic (4). Last evaluated 2026-01-27.

Conditions:
LPL-related disorder. Also called: LPL-related condition.
Hyperlipoproteinemia, type I. Also called: Lipase D deficiency; Familial Lipoprotein Lipase Deficiency; Hyperlipoproteinemia type 1; Hyperchylomicro-nemia familial; Familial chylomicronemia; Hyperlipemia idiopathic Burger-Grutz type. Identifiers: Orphanet 309015, Orphanet 444490, MedGen C0023817, MONDO:0009387, OMIM 238600. Disease mechanism: loss of function.
Lipase deficiency, combined. Also called: LIPOPROTEIN LIPASE DEFICIENCY WITH HEPATIC TRIGLYCERIDE LIPASE DEFICIENCY; LPL AND HL DEFICIENCY; LPL AND HTGL DEFICIENCY. Identifiers: Orphanet 535453, MedGen C1855498, MONDO:0009527, OMIM 246650.

Submissions (6):

3billion
Classification: Likely pathogenic for Hyperlipoproteinemia, type I. Last evaluated: 2026-01-27. Review status: criteria provided, single submitter. Criteria: ACMG Guidelines, 2015. Collection method: clinical testing. Allele origin: germline. Affected: yes.
Comment: The variant is not observed in the gnomAD v4.1.0 dataset. Predicted Consequence/Location: Missense variant The same nucleotide change resulting in the same amino acid change has been previously reported as pathogenic/likely pathogenic with strong evidence (ClinVar ID: VCV001030690 /PMID: 31130284 /3billion dataset). Therefore, this variant is classified as Likely pathogenic according to the recommendation of ACMG/AMP guideline.

Genomic Medicine Center of Excellence, King Faisal Specialist Hospital and Research Centre
Classification: Likely pathogenic for Hyperlipoproteinemia, type I. Last evaluated: 2024-03-21. Review status: criteria provided, single submitter. Criteria: ACMG Guidelines, 2015. Collection method: clinical testing. Allele origin: germline.

Genomic Medicine Center of Excellence, King Faisal Specialist Hospital and Research Centre
Classification: Likely pathogenic for Lipase deficiency, combined. Last evaluated: 2024-03-17. Review status: criteria provided, single submitter. Criteria: ACMG Guidelines, 2015. Collection method: research. Allele origin: germline.

GeneDx
Classification: Pathogenic. Last evaluated: 2023-06-26. Review status: criteria provided, single submitter. Criteria: GeneDx Variant Classification Process June 2021. Collection method: clinical testing. Allele origin: germline. Affected: yes.
Comment: Not observed in large population cohorts (gnomAD); In silico analysis supports that this missense variant has a deleterious effect on protein structure/function; This variant is associated with the following publications: (PMID: 31130284)

Blueprint Genetics
Classification: Pathogenic for LPL-related disorders. Last evaluated: 2021-05-18. Review status: criteria provided, single submitter. Criteria: ACMG Guidelines, 2015. Collection method: clinical testing. Allele origin: germline. Affected: yes. Observed: 2 variant alleles.

Baylor Genetics
Classification: Likely pathogenic for Hyperlipoproteinemia, type I. Last evaluated: 2020-06-03. Review status: criteria provided, single submitter. Criteria: ACMG Guidelines, 2015. Collection method: clinical testing. Allele origin: unknown. Affected: yes.
Comment: This variant was determined to be likely pathogenic according to ACMG Guidelines, 2015 [PMID:25741868].

Literature cited by the submitters: PubMed 31130284 (cited by 3billion).

NM_000237.3(LPL):c.991A>G (p.Lys331Glu)

Gene: LPL (lipoprotein lipase; plus strand). Cytogenetic location: 8p21.3.
Variant type: single nucleotide variant.
Coding change: c.991A>G on transcript NM_000237.3 (MANE Select); coding-DNA position 991, A replaced by G.
Protein change: p.Lys331Glu; replaces lysine 331 with glutamic acid.
Molecular consequence: missense variant.
Genome position (GRCh38, 1-based): chr8:19,956,056, A>G. VCF-style: chr8-19956056-A-G. GRCh37 (hg19) VCF-style: chr8-19813567-A-G.
Other names: short protein forms K331E.
Identifiers: ClinVar variation 1030690 (VCV001030690.8), dbSNP rs2069982771, ClinGen allele CA370469409.